The following is an entry in ClinVar:

NM_003640.5(ELP1):c.1034A>G (p.Lys345Arg)

Gene: ELP1 (elongator acetyltransferase complex subunit 1; minus strand). Cytogenetic location: 9q31.3.
Variant type: single nucleotide variant.
Coding change: c.1034A>G on transcript NM_003640.5 (MANE Select); coding-DNA position 1034, A replaced by G.
Protein change: p.Lys345Arg; replaces lysine 345 with arginine.
Molecular consequence: missense variant. On other transcripts: 5 prime UTR variant (1).
Genome position (GRCh38, 1-based): chr9:108,912,419, T>C on the plus strand (A>G on the coding strand, the complement: ELP1 is on the minus strand). VCF-style: chr9-108912419-T-C. GRCh37 (hg19) VCF-style: chr9-111674699-T-C.
Other names: c.692A>G, p.Lys231Arg (NM_001318360.2); c.-14A>G (NM_001330749.2); short protein forms K231R, K345R.
Identifiers: ClinVar variation 958479 (VCV000958479.6), dbSNP rs772819713, ClinGen allele CA5175146.
Genomic context (GRCh38, chr9:108,912,419, plus strand): 5'-CCCTGACAGAGAACATGCAGCCGGTATGGGGTCACAGGGTCCCACATCAGAGACACAATC[T>C]TGCTCTTCCCACAGGTGCTGAAGGATAAACTTTGCTTGAGATACCAGTGATAGTTTCCAA-3'
Protein context (NP_003631.2, residues 335-355): SLSFSTCGKS[Lys345Arg]IVSLMWDPVT

ClinVar aggregate classification (germline): Uncertain significance. Review status: criteria provided, multiple submitters, no conflicts (2 of 4 stars). 4 submissions from 4 submitters: Uncertain significance (3). 1 of the submissions does not count toward it. Last evaluated 2026-05-23.

Conditions:
Familial dysautonomia. Also called: HSAN III; FD. Identifiers: Orphanet 1764, MedGen C0013364, MONDO:0009131, OMIM 223900. Disease mechanism: loss of function.
Medulloblastoma (MDB). Also called: MEDULLOBLASTOMA PREDISPOSITION SYNDROME; Medulloblastoma, somatic. Identifiers: Orphanet 616, MedGen C0025149, MeSH D008527, MONDO:0007959, OMIM 155255, HP:0002885.

Allele frequency attached by ClinVar (database versions not stated): gnomAD below 0.00001 and 0.00001; TOPMed below 0.00001; ExAC 0.00007; gnomAD exomes 0.00005 and 0.00002.
gnomAD v4.1: 25 of 1,613,934 alleles (0.0015%); highest among the groups gnomAD compares: South Asian, 0.024%; no homozygotes.

Submissions (4):

Ambry Genetics
Classification: Uncertain significance. Last evaluated: 2026-05-23. Review status: criteria provided, single submitter. Criteria: Ambry Variant Classification Scheme 2023. Collection method: clinical testing. Allele origin: germline.
Comment: The p.K345R variant (also known as c.1034A>G), located in coding exon 10 of the IKBKAP gene, results from an A to G substitution at nucleotide position 1034. The lysine at codon 345 is replaced by arginine, an amino acid with highly similar properties. This amino acid position is conserved. In addition, this alteration is predicted to be tolerated by in silico analysis. Based on the available evidence, the clinical significance of this variant remains unclear.

Fulgent Genetics
Classification: Uncertain significance for Medulloblastoma; Familial dysautonomia. Last evaluated: 2024-01-20. Review status: criteria provided, single submitter. Criteria: ACMG Guidelines, 2015. Collection method: clinical testing. Allele origin: germline.

Labcorp Genetics (formerly Invitae), Labcorp
Classification: Uncertain significance. Last evaluated: 2021-08-30. Review status: criteria provided, single submitter. Criteria: Invitae Variant Classification Sherloc (09022015). Collection method: clinical testing. Allele origin: germline.
Comment: This sequence change replaces lysine with arginine at codon 345 of the ELP1 protein (p.Lys345Arg). The lysine residue is weakly conserved and there is a small physicochemical difference between lysine and arginine. This variant is present in population databases (rs772819713, ExAC 0.05%). This variant has not been reported in the literature in individuals affected with ELP1-related conditions. Algorithms developed to predict the effect of missense changes on protein structure and function output the following: SIFT: "Tolerated"; PolyPhen-2: "Benign"; Align-GVGD: "Class C0". The arginine amino acid residue is found in multiple mammalian species, which suggests that this missense change does not adversely affect protein function. In summary, the available evidence is currently insufficient to determine the role of this variant in disease. Therefore, it has been classified as a Variant of Uncertain Significance.

Natera, Inc.
Classification: Uncertain significance for Familial dysautonomia. Last evaluated: 2020-07-17. Review status: no assertion criteria provided. Collection method: clinical testing. Allele origin: germline. Not counted in ClinVar's aggregate classification.